The following is an entry in ClinVar:

ClinVar aggregate classification (germline): Uncertain significance. Review status: criteria provided, multiple submitters, no conflicts (2 of 4 stars). 3 submissions from 3 submitters: Uncertain significance (3). Last evaluated 2025-07-02.

Allele frequency attached by ClinVar (database versions not stated): gnomAD 0.00001; ExAC 0.00003; TOPMed 0.00003; gnomAD exomes 0.00008.
gnomAD v4.1: 115 of 1,611,572 alleles (0.0071%); highest among the groups gnomAD compares: Non-Finnish European, 0.0094%; no homozygotes.

Submissions (3):

Ambry Genetics
Classification: Uncertain significance. Last evaluated: 2025-07-02. Review status: criteria provided, single submitter. Criteria: Ambry Variant Classification Scheme 2023. Collection method: clinical testing. Allele origin: germline.

Labcorp Genetics (formerly Invitae), Labcorp
Classification: Uncertain significance. Last evaluated: 2022-06-26. Review status: criteria provided, single submitter. Criteria: Invitae Variant Classification Sherloc (09022015). Collection method: clinical testing. Allele origin: germline.
Comment: This sequence change replaces glutamic acid, which is acidic and polar, with lysine, which is basic and polar, at codon 179 of the LAT protein (p.Glu179Lys). This variant is present in population databases (rs778655191, gnomAD 0.006%). This variant has not been reported in the literature in individuals affected with LAT-related conditions. Algorithms developed to predict the effect of missense changes on protein structure and function are either unavailable or do not agree on the potential impact of this missense change (SIFT: "Deleterious"; PolyPhen-2: "Possibly Damaging"; Align-GVGD: "Class C0"). In summary, the available evidence is currently insufficient to determine the role of this variant in disease. Therefore, it has been classified as a Variant of Uncertain Significance.

Blueprint Genetics
Classification: Uncertain significance. Last evaluated: 2022-02-16. Review status: criteria provided, single submitter. Criteria: ACMG Guidelines, 2015. Collection method: clinical testing. Allele origin: germline.

NM_001014987.2(LAT):c.535G>A (p.Glu179Lys)

Gene: LAT (linker for activation of T cells; plus strand). Cytogenetic location: 16p11.2.
Variant type: single nucleotide variant.
Coding change: c.535G>A on transcript NM_001014987.2 (MANE Select); coding-DNA position 535, G replaced by A.
Protein change: p.Glu179Lys; replaces glutamic acid 179 with lysine.
Molecular consequence: missense variant.
Genome position (GRCh38, 1-based): chr16:28,989,568, G>A. VCF-style: chr16-28989568-G-A. GRCh37 (hg19) VCF-style: chr16-29000889-G-A.
Other names: c.532G>A, p.Glu178Lys (NM_001014988.2); c.643G>A, p.Glu215Lys (NM_001014989.2); c.622G>A, p.Glu208Lys (NM_014387.4); c.643G>A (NM_001014989.1); short protein forms E215K, E178K, E179K, E208K.
Identifiers: ClinVar variation 2201730 (VCV002201730.5), dbSNP rs778655191, ClinGen allele CA7990060.